The following is an entry in ClinVar:

ClinVar aggregate classification (germline): Uncertain significance. Review status: criteria provided, multiple submitters, no conflicts (2 of 4 stars). 4 submissions from 4 submitters: Uncertain significance (4). Last evaluated 2025-09-09.

Conditions:
Inborn genetic diseases. Identifiers: MedGen C0950123, MeSH D030342.

Allele frequency attached by ClinVar (database versions not stated): gnomAD 0.00002; TOPMed 0.00002; ExAC 0.00003; gnomAD exomes 0.00003; ESP Exome Variant Server 0.00008.
gnomAD v4.1: 52 of 1,613,084 alleles (0.0032%); highest among the groups gnomAD compares: South Asian, 0.0055%; no homozygotes.

Submissions (4):

Labcorp Genetics (formerly Invitae), Labcorp
Classification: Uncertain significance. Last evaluated: 2025-09-09. Review status: criteria provided, single submitter. Criteria: Invitae Variant Classification Sherloc (09022015). Collection method: clinical testing. Allele origin: germline.
Comment: This sequence change replaces arginine, which is basic and polar, with cysteine, which is neutral and slightly polar, at codon 276 of the COL9A3 protein (p.Arg276Cys). This variant is present in population databases (rs371562453, gnomAD 0.003%). This variant has not been reported in the literature in individuals affected with COL9A3-related conditions. ClinVar contains an entry for this variant (Variation ID: 2414438). Invitae Evidence Modeling of protein sequence and biophysical properties (such as structural, functional, and spatial information, amino acid conservation, physicochemical variation, residue mobility, and thermodynamic stability) indicates that this missense variant is not expected to disrupt COL9A3 protein function with a negative predictive value of 95%. In summary, the available evidence is currently insufficient to determine the role of this variant in disease. Therefore, it has been classified as a Variant of Uncertain Significance.

Ambry Genetics
Classification: Uncertain significance for Inborn genetic diseases. Last evaluated: 2024-12-14. Review status: criteria provided, single submitter. Criteria: Ambry Variant Classification Scheme 2023. Collection method: clinical testing. Allele origin: germline.

GeneDx
Classification: Uncertain significance. Last evaluated: 2024-05-28. Review status: criteria provided, single submitter. Criteria: GeneDx Variant Classification Process June 2021. Collection method: clinical testing. Allele origin: germline. Affected: yes.
Comment: Has not been previously published as pathogenic or benign to our knowledge; In silico analysis indicates that this missense variant does not alter protein structure/function

Blueprint Genetics
Classification: Uncertain significance. Last evaluated: 2024-01-31. Review status: criteria provided, single submitter. Criteria: ACMG Guidelines, 2015. Collection method: clinical testing. Allele origin: germline.

NM_001853.4(COL9A3):c.826C>T (p.Arg276Cys)

Gene: COL9A3 (collagen type IX alpha 3 chain; plus strand). Cytogenetic location: 20q13.33.
Variant type: single nucleotide variant.
Coding change: c.826C>T on transcript NM_001853.4 (MANE Select); coding-DNA position 826, C replaced by T.
Protein change: p.Arg276Cys; replaces arginine 276 with cysteine.
Molecular consequence: missense variant.
Genome position (GRCh38, 1-based): chr20:62,827,274, C>T. VCF-style: chr20-62827274-C-T. GRCh37 (hg19) VCF-style: chr20-61458626-C-T.
Other names: c.826C>T (NM_001853.3); short protein forms R276C.
Identifiers: ClinVar variation 2414438 (VCV002414438.9), dbSNP rs371562453, ClinGen allele CA9949534.